The following is an entry in ClinVar:

ClinVar aggregate classification (germline): Pathogenic (0 of 4 stars; one submission).

Conditions:
Congenital ptosis. Identifiers: Orphanet 91411, MedGen C0266573, MONDO:0008340, HP:0007970.
Cleft palate. Identifiers: Orphanet 2014, MedGen C2981150, MONDO:0016064, HP:0000175.
Movement disorder. Also called: Abnormality of movement; Movement disorders. Identifiers: MedGen C0026650, MONDO:0005395, HP:0100022.
Cryptorchidism. Also called: undescended testicle; Undescended testes. Identifiers: MedGen C0010417, MONDO:0009047, OMIM 219050, HP:0000028.
Cerebral hypomyelination. Identifiers: MedGen C2677328, HP:0006808.
Developmental cataract. Also called: Bilateral cataracts; Congenital cataracts; Congenital cataract. Identifiers: MedGen C0009691, HP:0000519.
Hypertrichosis. Also called: excessive hair growth. Identifiers: Orphanet 79365, MedGen C0020555, MONDO:0019280, HP:0000998.
Infantile axial hypotonia. Identifiers: MedGen C3806604, HP:0009062.
Severe intellectual disability. Identifiers: MedGen C0036857, HP:0010864.
Humeral cortical thickening. Identifiers: MedGen C4025542, HP:0003868.
Cortical thickening of humeral diaphysis. Identifiers: MedGen C4025500, HP:0003928.
Thoracolumbar scoliosis. Identifiers: MedGen C0749379, HP:0002944.
Rigidity. Identifiers: MedGen C0026837, HP:0002063.
Absent speech. Also called: Absent speech development. Identifiers: MedGen C1854882, HP:0001344.
Spasticity. Identifiers: MedGen C0026838, HP:0001257.
Bilateral microphthalmos. Identifiers: MedGen C1843496, HP:0007633.
Low-set ears. Identifiers: MedGen C0239234, HP:0000369.
Abnormal corpus callosum morphology. Also called: Corpus callosum abnormalities; Abnormality of the corpus callosum. Identifiers: MedGen C1842581, HP:0001273.

Submission:

Human Genetics Department, Tarbiat Modares University
Classification: Pathogenic for Bilateral microphthalmos; Humeral cortical thickening; Cortical thickening of humeral diaphysis; Low-set ears; Developmental cataract; Congenital ptosis; Infantile axial hypotonia; Spasticity; Movement disorder; Abnormal corpus callosum morphology; Absent speech; Cerebral hypomyelination; Severe intellectual disability; Rigidity; Thoracolumbar scoliosis; Cleft palate; Cryptorchidism; Hypertrichosis. Last evaluated: 2016-08-01. Review status: no assertion criteria provided. Collection method: case-control. Allele origin: inherited. Inheritance: Autosomal recessive inheritance. Affected: yes. Observed: 1 variant allele, 1 homozygote.
Comment: Further examinations showed no other abnormality using echocardiography, abdominal ultrasonography, and further skeletal (i.e. osteopetrosis, kyphoscoliosis, osteopenia, and growth hormone deficiency) and chromosomal surveys. Hematological examination, thyroid, liver, and renal function, serum calcium, ammonia, lactate, pyruvate, and TORCH (toxoplasmosis, rubella, cytomegalovirus, and herpes virus) were all reported as normal. Karyotyping did not reveal any detectable abnormalities in chromosomes. Ocular abnormalities as in cataract, nasolacrimal duct obstruction, and bilateral microphthalmia were also detected at the examination time. Muscular hypotonia was evident at this time by the way. Electrocardiogram, bone scan, neonatal TORCH, and also basic metabolic panel were normal.

NM_012233.3(RAB3GAP1):c.151-5T>G

Gene: RAB3GAP1 (RAB3 GTPase activating protein catalytic subunit 1; plus strand). Cytogenetic location: 2q21.3.
Variant type: single nucleotide variant.
Coding change: c.151-5T>G on transcript NM_012233.3 (MANE Select); 5 bases into the intron before coding-DNA position 151, T replaced by G.
Molecular consequence: intron variant.
Genome position (GRCh38, 1-based): chr2:135,090,993, T>G. VCF-style: chr2-135090993-T-G. GRCh37 (hg19) VCF-style: chr2-135848563-T-G.
Other names: c.151-5T>G (NM_001172435.2).
Identifiers: ClinVar variation 996741 (VCV000996741.4), dbSNP rs1690127143, ClinGen allele CA1290507765.
Genomic context (GRCh38, chr2:135,090,993, plus strand): 5'-GTTAGTAAATATAATGATAGCTATTGATTAAGGTAAATATTTTGCCATTTTATTGGTACA[T>G]ATAGGGTATATTTACTTCTGGCACATGGGAAGAGAAATCAGATGAAATTTCCTTTGCTGA-3'